The following is an entry in ClinVar:

ClinVar aggregate classification (germline): Benign/Likely benign. Review status: criteria provided, multiple submitters, no conflicts (2 of 4 stars). 4 submissions from 4 submitters: Benign (1); Likely benign (1). 2 of the submissions do not count toward it. Last evaluated 2026-02-02.

Conditions:
PEX6-related disorder. Also called: PEX6-related disorders; PEX6-related condition.
Zellweger spectrum disorders (ZS). Also called: Zellweger Spectrum Disorder; Zellweger Spectrum; Zellweger syndrome; Zellweger Spectrum Disorder (ZSD). Identifiers: Orphanet 912, MedGen C0043459, MONDO:0019609.
Peroxisome biogenesis disorder. Identifiers: Orphanet 79189, MedGen C1832200, MONDO:0019234. Disease mechanism: loss of function.

Allele frequency attached by ClinVar (database versions not stated): gnomAD 0.00007 and 0.00008; gnomAD exomes 0.00009 and 0.00029; TOPMed 0.00010; 1000 Genomes Project 30x 0.00016; 1000 Genomes Project 0.00020; ExAC 0.00030.
gnomAD v4.1: 147 of 1,613,490 alleles (0.0091%); highest among the groups gnomAD compares: East Asian, 0.3%; 1 homozygote.

Submissions (4):

Labcorp Genetics (formerly Invitae), Labcorp
Classification: Benign for Peroxisome biogenesis disorder. Last evaluated: 2026-02-02. Review status: criteria provided, single submitter. Criteria: Invitae Variant Classification Sherloc (09022015). Collection method: clinical testing. Allele origin: germline.

Blueprint Genetics
Classification: Likely benign. Last evaluated: 2024-05-21. Review status: criteria provided, single submitter. Criteria: ACMG Guidelines, 2015. Collection method: clinical testing. Allele origin: germline.

PreventionGenetics, part of Exact Sciences
Classification: Likely benign for PEX6-related condition. Last evaluated: 2019-11-04. Review status: no assertion criteria provided. Collection method: clinical testing. Allele origin: germline. Not counted in ClinVar's aggregate classification.
Comment: This variant is classified as likely benign based on ACMG/AMP sequence variant interpretation guidelines (Richards et al. 2015 PMID: 25741868, with internal and published modifications).

Natera, Inc.
Classification: Likely benign for Zellweger syndrome. Last evaluated: 2019-10-24. Review status: no assertion criteria provided. Collection method: clinical testing. Allele origin: germline. Not counted in ClinVar's aggregate classification.

NM_000287.4(PEX6):c.1680C>T (p.Pro560=)

Gene: PEX6 (peroxisomal biogenesis factor 6; minus strand). Cytogenetic location: 6p21.1.
Variant type: single nucleotide variant.
Coding change: c.1680C>T on transcript NM_000287.4 (MANE Select); coding-DNA position 1680, C replaced by T.
Protein change: p.Pro560=; no amino-acid change (proline 560 retained).
Molecular consequence: synonymous variant. On other transcripts: non-coding transcript variant (1).
Genome position (GRCh38, 1-based): chr6:42,968,298, G>A on the plus strand (C>T on the coding strand, the complement: PEX6 is on the minus strand). VCF-style: chr6-42968298-G-A. GRCh37 (hg19) VCF-style: chr6-42936036-G-A.
Other names: c.1416C>T, p.Pro472= (NM_001316313.2).
Identifiers: ClinVar variation 785634 (VCV000785634.15), dbSNP rs372998833, ClinGen allele CA3811266.